The following is an entry in ClinVar:

ClinVar aggregate classification (germline): Benign/Likely benign. Review status: criteria provided, multiple submitters, no conflicts (2 of 4 stars). 12 submissions from 12 submitters: Benign (9); Likely benign (1). 2 of the submissions do not count toward it. Last evaluated 2026-06-08.

Conditions:
Autosomal recessive nonsyndromic hearing loss 8 (DFNB8). Also called: Deafness, autosomal recessive 10; NEUROSENSORY NONSYNDROMIC RECESSIVE DEAFNESS 8. Identifiers: Orphanet 90636, MedGen C1832827, MONDO:0010987, OMIM 601072.

Allele frequency attached by ClinVar (database versions not stated): gnomAD exomes 0.35961 and 0.36063; ExAC 0.36941; 1000 Genomes Project 0.46306; 1000 Genomes Project 30x 0.47564; gnomAD 0.47928 and 0.49190; TOPMed 0.49998; ESP Exome Variant Server 0.51269.

Submissions (12):

Women's Health and Genetics/Laboratory Corporation of America, LabCorp
Classification: Benign. Last evaluated: 2026-06-08. Review status: criteria provided, single submitter. Criteria: LabCorp Variant Classification Summary - May 2015. Collection method: clinical testing. Allele origin: germline.

Labcorp Genetics (formerly Invitae), Labcorp
Classification: Benign. Last evaluated: 2026-02-04. Review status: criteria provided, single submitter. Criteria: Invitae Variant Classification Sherloc (09022015). Collection method: clinical testing. Allele origin: germline.

Blueprint Genetics
Classification: Likely benign. Last evaluated: 2024-11-28. Review status: criteria provided, single submitter. Criteria: ACMG Guidelines, 2015. Collection method: clinical testing. Allele origin: germline.

Genome-Nilou Lab
Classification: Benign for Autosomal recessive nonsyndromic hearing loss 8. Last evaluated: 2021-09-10. Review status: criteria provided, single submitter. Criteria: ACMG Guidelines, 2015. Collection method: clinical testing. Allele origin: germline. Affected: no.

Mayo Clinic Laboratories, Mayo Clinic
Classification: Benign. Last evaluated: 2020-07-02. Review status: criteria provided, single submitter. Criteria: ACMG Guidelines, 2015. Collection method: clinical testing. Allele origin: germline. Observed: 100 variant alleles.

Illumina Laboratory Services, Illumina
Classification: Benign for Autosomal recessive nonsyndromic hearing loss 8. Last evaluated: 2018-01-12. Review status: criteria provided, single submitter. Criteria: ICSL Variant Classification Criteria 13 December 2019. Collection method: clinical testing. Allele origin: germline.
Comment: This variant was observed in the ICSL laboratory as part of a predisposition screen in an ostensibly healthy population. It had not been previously curated by ICSL or reported in the Human Gene Mutation Database (HGMD: prior to June 1st, 2018), and was therefore a candidate for classification through an automated scoring system. Utilizing variant allele frequency, disease prevalence and penetrance estimates, and inheritance mode, an automated score was calculated to assess if this variant is too frequent to cause the disease. Based on the score and internal cut-off values, a variant classified as benign is not then subjected to further curation. The score for this variant resulted in a classification of benign for this disease.

GeneDx
Classification: Benign. Last evaluated: 2017-05-09. Review status: criteria provided, single submitter. Criteria: GeneDx Variant Classification (06012015). Collection method: clinical testing. Allele origin: germline. Affected: yes.
Comment: This variant is considered likely benign or benign based on one or more of the following criteria: it is a conservative change, it occurs at a poorly conserved position in the protein, it is predicted to be benign by multiple in silico algorithms, and/or has population frequency not consistent with disease.

Laboratory for Molecular Medicine, Mass General Brigham Personalized Medicine
Classification: Benign. Last evaluated: 2007-02-16. Review status: criteria provided, single submitter. Criteria: LMM Criteria. Collection method: clinical testing. Allele origin: germline. Observed: 1,345 variant alleles.

Breakthrough Genomics
Classification: Benign. Review status: criteria provided, single submitter. Criteria: ACMG Guidelines, 2015. Collection method: not provided. Allele origin: germline. Inheritance: Autosomal recessive inheritance. Affected: yes.

PreventionGenetics, part of Exact Sciences
Classification: Benign. Review status: criteria provided, single submitter. Criteria: ACMG Guidelines, 2015. Collection method: clinical testing. Allele origin: germline.

Diagnostic Laboratory, Department of Genetics, University Medical Center Groningen
Classification: Benign. Review status: no assertion criteria provided. Collection method: clinical testing. Allele origin: germline. Affected: yes. Study: VKGL Data-share Consensus. Not counted in ClinVar's aggregate classification.

Joint Genome Diagnostic Labs from Nijmegen and Maastricht, Radboudumc and MUMC+
Classification: Benign. Review status: no assertion criteria provided. Collection method: clinical testing. Allele origin: germline. Affected: yes. Study: VKGL Data-share Consensus. Not counted in ClinVar's aggregate classification.

Literature cited by the submitters: PubMed 11137999 (cited by Laboratory for Molecular Medicine, Mass General Brigham Personalized Medicine).

NM_001256317.3(TMPRSS3):c.453G>A (p.Val151=)

Gene: TMPRSS3 (transmembrane serine protease 3; minus strand). Cytogenetic location: 21q22.3.
Variant type: single nucleotide variant.
Coding change: c.453G>A on transcript NM_001256317.3 (MANE Select); coding-DNA position 453, G replaced by A.
Protein change: p.Val151=; no amino-acid change (valine 151 retained).
Molecular consequence: synonymous variant.
Genome position (GRCh38, 1-based): chr21:42,385,528, C>T on the plus strand (G>A on the coding strand, the complement: TMPRSS3 is on the minus strand). VCF-style: chr21-42385528-C-T. GRCh37 (hg19) VCF-style: chr21-43805637-C-T.
Other names: p.Val151=; c.453G>A, p.Val151= (NM_024022.4, NM_032405.2); c.72G>A, p.Val24= (NM_032404.3); c.453G>A (NM_024022.3).
Identifiers: ClinVar variation 46122 (VCV000046122.29), dbSNP rs2839501, ClinGen allele CA137719.